The following is an entry in ClinVar:

NM_021628.3(ALOXE3):c.2019C>T (p.Ala673=)

Gene: ALOXE3 (arachidonate epidermal lipoxygenase 3; minus strand). Cytogenetic location: 17p13.1.
Variant type: single nucleotide variant.
Coding change: c.2019C>T on transcript NM_021628.3 (MANE Select); coding-DNA position 2019, C replaced by T.
Protein change: p.Ala673=; no amino-acid change (alanine 673 retained).
Molecular consequence: synonymous variant.
Genome position (GRCh38, 1-based): chr17:8,096,744, G>A on the plus strand (C>T on the coding strand, the complement: ALOXE3 is on the minus strand). VCF-style: chr17-8096744-G-A. GRCh37 (hg19) VCF-style: chr17-8000062-G-A.
Other names: c.2415C>T, p.Ala805= (NM_001165960.1); c.2016C>T, p.Ala672= (NM_001369446.1).
Identifiers: ClinVar variation 325956 (VCV000325956.15), dbSNP rs148295244, ClinGen allele CA8367877.

ClinVar aggregate classification (germline): Benign. Review status: criteria provided, multiple submitters, no conflicts (2 of 4 stars). 3 submissions from 3 submitters: Benign (3). Last evaluated 2026-02-02.

Conditions:
Autosomal recessive congenital ichthyosis 3 (ARCI3). Also called: ICHTHYOSIS, LAMELLAR, 5. Identifiers: MedGen C3539888, MONDO:0011680, OMIM 606545.

Allele frequency attached by ClinVar (database versions not stated): gnomAD exomes 0.00207 and 0.00273; ExAC 0.00306; 1000 Genomes Project 30x 0.00390; 1000 Genomes Project 0.00399; gnomAD 0.00746 and 0.00781; ESP Exome Variant Server 0.00769; TOPMed 0.00794.
gnomAD v4.1: 4,233 of 1,614,174 alleles (0.26%); highest among the groups gnomAD compares: African/African-American, 2.2%; 25 homozygotes.

Submissions (3):

Labcorp Genetics (formerly Invitae), Labcorp
Classification: Benign. Last evaluated: 2026-02-02. Review status: criteria provided, single submitter. Criteria: Invitae Variant Classification Sherloc (09022015). Collection method: clinical testing. Allele origin: germline.

GeneDx
Classification: Benign. Last evaluated: 2019-03-20. Review status: criteria provided, single submitter. Criteria: GeneDx Variant Classification (06012015). Collection method: clinical testing. Allele origin: germline. Affected: yes.

Illumina Laboratory Services, Illumina
Classification: Benign for Autosomal recessive congenital ichthyosis 3. Last evaluated: 2018-01-13. Review status: criteria provided, single submitter. Criteria: ICSL Variant Classification Criteria 13 December 2019. Collection method: clinical testing. Allele origin: germline.
Comment: This variant was observed in the ICSL laboratory as part of a predisposition screen in an ostensibly healthy population. It had not been previously curated by ICSL or reported in the Human Gene Mutation Database (HGMD: prior to June 1st, 2018), and was therefore a candidate for classification through an automated scoring system. Utilizing variant allele frequency, disease prevalence and penetrance estimates, and inheritance mode, an automated score was calculated to assess if this variant is too frequent to cause the disease. Based on the score and internal cut-off values, a variant classified as benign is not then subjected to further curation. The score for this variant resulted in a classification of benign for this disease.